The following is an entry in ClinVar:

ClinVar aggregate classification (germline): Likely benign (1 of 4 stars; one submission).

Submission:

CeGaT Center for Human Genetics Tuebingen
Classification: Likely benign. Last evaluated: 2023-03-01. Review status: criteria provided, single submitter. Criteria: CeGaT Center For Human Genetics Tuebingen Variant Classification Criteria Version 2. Collection method: clinical testing. Allele origin: germline. Affected: yes. Observed: 1 variant allele.
Comment: GRIK2: PM2:Supporting, BP4, BP7

NM_021956.5(GRIK2):c.1131C>T (p.Phe377=)

Gene: GRIK2 (glutamate ionotropic receptor kainate type subunit 2; plus strand). Cytogenetic location: 6q16.3.
Variant type: single nucleotide variant.
Coding change: c.1131C>T on transcript NM_021956.5 (MANE Select); coding-DNA position 1131, C replaced by T.
Protein change: p.Phe377=; no amino-acid change (phenylalanine 377 retained).
Molecular consequence: synonymous variant.
Genome position (GRCh38, 1-based): chr6:101,802,366, C>T. VCF-style: chr6-101802366-C-T. GRCh37 (hg19) VCF-style: chr6-102250241-C-T.
Other names: c.1131C>T, p.Phe377= (NM_001166247.1, NM_175768.3).
Identifiers: ClinVar variation 2656791 (VCV002656791.24), dbSNP rs2484073960, ClinGen allele CA451503621.